The following is an entry in ClinVar:

ClinVar aggregate classification (germline): Conflicting classifications of pathogenicity. Review status: criteria provided, conflicting classifications (1 of 4 stars). 11 submissions from 11 submitters: Uncertain significance (3); Benign (4); Likely benign (4). Last evaluated 2026-01-13.

Conditions:
TSC2-related disorder. Also called: TSC2-related condition; TSC2-Related Disorders.
Tuberous sclerosis 2 (TSC2). Identifiers: Orphanet 805, MedGen C1860707, MONDO:0013199, OMIM 613254.
Isolated focal cortical dysplasia type II (FCORD2). Also called: CORTICAL DYSPLASIA OF TAYLOR; Focal cortical dysplasia type II. Identifiers: Orphanet 268994, MedGen C1846385, MONDO:0011818, OMIM 607341, HP:0032051.
Lymphangiomyomatosis (LAM). Also called: Lymphangioleiomyomatosis; Lymphangioleiomyomatosis, somatic. Identifiers: Orphanet 538, MedGen C0751674, MONDO:0011705, OMIM 606690.
Hereditary cancer-predisposing syndrome. Also called: Neoplastic Syndromes, Hereditary; Tumor predisposition; Hereditary Cancer Syndrome; Hereditary neoplastic syndrome. Identifiers: Orphanet 140162, MedGen C0027672, MeSH D009386, MONDO:0015356.
Tuberous sclerosis syndrome (TSC). Also called: Tuberous Sclerosis Complex; Tuberous sclerosis. Identifiers: Orphanet 805, MedGen C0041341, MONDO:0001734.

Allele frequency attached by ClinVar (database versions not stated): TOPMed 0.00004; gnomAD 0.00007 and 0.00008; ExAC 0.00010; ESP Exome Variant Server 0.00015.
gnomAD v4.1: 139 of 1,609,806 alleles (0.0086%); highest among the groups gnomAD compares: Non-Finnish European, 0.01%; no homozygotes.

Submissions (11):

Labcorp Genetics (formerly Invitae), Labcorp
Classification: Benign for Tuberous sclerosis 2. Last evaluated: 2026-01-13. Review status: criteria provided, single submitter. Criteria: Invitae Variant Classification Sherloc (09022015). Collection method: clinical testing. Allele origin: germline.

Myriad Genetics, Inc.
Classification: Likely benign for Tuberous sclerosis 2. Last evaluated: 2025-05-28. Review status: criteria provided, single submitter. Criteria: Myriad Autosomal Dominant, Autosomal Recessive and X-Linked Classification Criteria (2023). Collection method: clinical testing. Allele origin: unknown.
Comment: This variant is considered likely benign. This variant has been observed at a population frequency that is significantly greater than expected given the associated disease prevalence and penetrance.

Quest Diagnostics Nichols Institute San Juan Capistrano
Classification: Uncertain significance. Last evaluated: 2024-12-12. Review status: criteria provided, single submitter. Criteria: Quest Diagnostics criteria. Collection method: clinical testing. Allele origin: unknown.

Blueprint Genetics
Classification: Likely benign. Last evaluated: 2023-05-09. Review status: criteria provided, single submitter. Criteria: ACMG Guidelines, 2015. Collection method: clinical testing. Allele origin: germline.

PreventionGenetics, part of Exact Sciences
Classification: Uncertain significance for TSC2-related condition. Last evaluated: 2023-02-21. Review status: criteria provided, single submitter. Criteria: ACMG Guidelines, 2015. Collection method: clinical testing. Allele origin: germline.
Comment: The TSC2 c.3287C>T variant is predicted to result in the amino acid substitution p.Ser1096Phe. To our knowledge, this variant has not been reported in the literature. This variant is reported in 0.011% of alleles in individuals of European (Non-Finnish) descent in gnomAD. This variant has conflicting interpretations in ClinVar of benign, likely benign and uncertain. At this time, the clinical significance of this variant is uncertain due to the absence of conclusive functional and genetic evidence.

Ambry Genetics
Classification: Benign for Hereditary cancer-predisposing syndrome. Last evaluated: 2023-02-13. Review status: criteria provided, single submitter. Criteria: Ambry Variant Classification Scheme 2023. Collection method: clinical testing. Allele origin: germline.

Color Diagnostics, LLC DBA Color Health
Classification: Likely benign for Tuberous sclerosis syndrome. Last evaluated: 2022-09-30. Review status: criteria provided, single submitter. Criteria: ACMG Guidelines, 2015. Collection method: clinical testing. Allele origin: germline.

Sema4
Classification: Likely benign for Hereditary cancer-predisposing syndrome. Last evaluated: 2021-12-23. Review status: criteria provided, single submitter. Criteria: Sema4 Curation Guidelines. Collection method: curation. Allele origin: germline.

Genome-Nilou Lab
Classification: Benign for Tuberous sclerosis 2. Last evaluated: 2021-11-07. Review status: criteria provided, single submitter. Criteria: ACMG Guidelines, 2015. Collection method: clinical testing. Allele origin: germline. Affected: no.

Department of Pathology and Laboratory Medicine, Sinai Health System
Classification: Uncertain significance for Lymphangiomyomatosis; Isolated focal cortical dysplasia type II; Tuberous sclerosis 2. Last evaluated: 2020-05-05. Review status: criteria provided, single submitter. Criteria: ACMG Guidelines, 2015. Collection method: research. Allele origin: germline.

GeneDx
Classification: Benign. Last evaluated: 2018-05-15. Review status: criteria provided, single submitter. Criteria: GeneDx Variant Classification Process June 2021. Collection method: clinical testing. Allele origin: germline. Affected: yes.

NM_000548.5(TSC2):c.3287C>T (p.Ser1096Phe)

Gene: TSC2 (TSC complex subunit 2; plus strand). Cytogenetic location: 16p13.3.
Variant type: single nucleotide variant.
Coding change: c.3287C>T on transcript NM_000548.5 (MANE Select); coding-DNA position 3287, C replaced by T.
Protein change: p.Ser1096Phe; replaces serine 1096 with phenylalanine.
Molecular consequence: missense variant.
Genome position (GRCh38, 1-based): chr16:2,079,559, C>T. VCF-style: chr16-2079559-C-T. GRCh37 (hg19) VCF-style: chr16-2129560-C-T.
Other names: c.3287C>T (NM_000548.4); c.3155C>T, p.Ser1052Phe (NM_001077183.3, NM_001370404.1); c.3287C>T, p.Ser1096Phe (NM_001114382.3); c.3047C>T, p.Ser1016Phe (NM_001318827.2); c.3011C>T, p.Ser1004Phe (NM_001318829.2); c.2555C>T, p.Ser852Phe (NM_001318831.2); c.3188C>T, p.Ser1063Phe (NM_001318832.2); c.3158C>T, p.Ser1053Phe (NM_001363528.2, NM_001370405.1, NM_021055.3); short protein forms S1096F, S1004F, S1063F, S1016F, S852F, S1052F, S1053F.
Identifiers: ClinVar variation 405973 (VCV000405973.28), dbSNP rs140772300, ClinGen allele CA045537.